The following is an entry in ClinVar:

NM_022124.6(CDH23):c.6990G>T (p.Leu2330=)

Gene: CDH23 (cadherin related 23; plus strand). Cytogenetic location: 10q22.1.
Variant type: single nucleotide variant.
Coding change: c.6990G>T on transcript NM_022124.6 (MANE Select); coding-DNA position 6990, G replaced by T.
Protein change: p.Leu2330=; no amino-acid change (leucine 2330 retained).
Molecular consequence: synonymous variant.
Genome position (GRCh38, 1-based): chr10:71,798,514, G>T. VCF-style: chr10-71798514-G-T. GRCh37 (hg19) VCF-style: chr10-73558271-G-T.
Other names: c.270G>T, p.Leu90= (NM_001171933.1, NM_001171934.1).
Identifiers: ClinVar variation 46024 (VCV000046024.24), dbSNP rs111033495, ClinGen allele CA137558.

ClinVar aggregate classification (germline): Conflicting classifications of pathogenicity. Review status: criteria provided, conflicting classifications (1 of 4 stars). 9 submissions from 8 submitters: Uncertain significance (1); Benign (2); Likely benign (3). 3 of the submissions do not count toward it. Last evaluated 2026-02-02.

Conditions:
Usher syndrome type 1 (USH1). Also called: RETINITIS PIGMENTOSA AND CONGENITAL DEAFNESS. Identifiers: Orphanet 231169, Orphanet 886, MedGen C1568247, MONDO:0010168, OMIM 276900.
Autosomal recessive nonsyndromic hearing loss 12. Also called: DEAFNESS, AUTOSOMAL RECESSIVE 12. Identifiers: Orphanet 90636, MedGen C1832394, MONDO:0011067, OMIM 601386.
Usher syndrome type 1D (USH1D). Also called: USHER SYNDROME, TYPE ID. Identifiers: Orphanet 231169, Orphanet 886, MedGen C1832845, MONDO:0010984, OMIM 601067.

Allele frequency attached by ClinVar (database versions not stated): ExAC 0.00182; gnomAD 0.00574 and 0.00610; 1000 Genomes Project 0.00599; 1000 Genomes Project 30x 0.00625; ESP Exome Variant Server 0.00640; TOPMed 0.00659.
gnomAD v4.1: 1,640 of 1,613,912 alleles (0.1%); highest among the groups gnomAD compares: African/African-American, 1.9%; 8 homozygotes.

Submissions (9):

Labcorp Genetics (formerly Invitae), Labcorp
Classification: Benign. Last evaluated: 2026-02-02. Review status: criteria provided, single submitter. Criteria: Invitae Variant Classification Sherloc (09022015). Collection method: clinical testing. Allele origin: germline.

Blueprint Genetics
Classification: Likely benign. Last evaluated: 2024-11-11. Review status: criteria provided, single submitter. Criteria: ACMG Guidelines, 2015. Collection method: clinical testing. Allele origin: germline.

GeneDx
Classification: Likely benign. Last evaluated: 2021-06-22. Review status: criteria provided, single submitter. Criteria: GeneDx Variant Classification Process June 2021. Collection method: clinical testing. Allele origin: germline. Affected: yes.

Illumina Laboratory Services, Illumina
Classification: Uncertain significance for Autosomal recessive nonsyndromic hearing loss 12. Last evaluated: 2018-01-13. Review status: criteria provided, single submitter. Criteria: ICSL Variant Classification Criteria 13 December 2019. Collection method: clinical testing. Allele origin: germline.

Illumina Laboratory Services, Illumina
Classification: Likely benign for Usher syndrome type 1D. Last evaluated: 2018-01-13. Review status: criteria provided, single submitter. Criteria: ICSL Variant Classification Criteria 13 December 2019. Collection method: clinical testing. Allele origin: germline.
Comment: This variant was observed in the ICSL laboratory as part of a predisposition screen in an ostensibly healthy population. It had not been previously curated by ICSL or reported in the Human Gene Mutation Database (HGMD: prior to June 1st, 2018), and was therefore a candidate for classification through an automated scoring system. Utilizing variant allele frequency, disease prevalence and penetrance estimates, and inheritance mode, an automated score was calculated to assess if this variant is too frequent to cause the disease. Based on the score and internal cut-off values, a variant classified as likely benign is not then subjected to further curation. The score for this variant resulted in a classification of likely benign for this disease.

Laboratory for Molecular Medicine, Mass General Brigham Personalized Medicine
Classification: Benign. Last evaluated: 2013-06-25. Review status: criteria provided, single submitter. Criteria: LMM Criteria. Collection method: clinical testing. Allele origin: germline. Observed: 8 variant alleles.
Comment: Leu2330Leu in Exon 51 of CDH23: This variant is not expected to have clinical si gnificance because it does not alter an amino acid residue, is not located near the splice site, and has been identified in 1.9% (75/3912) of African American c hromosomes from a broad population by the NHLBI Exome Sequencing Project (dbSNP rs111033495).

Natera, Inc.
Classification: Benign for Usher syndrome type 1. Last evaluated: 2019-12-05. Review status: no assertion criteria provided. Collection method: clinical testing. Allele origin: germline. Not counted in ClinVar's aggregate classification.

Clinical Genetics DNA and cytogenetics Diagnostics Lab, Erasmus MC, Erasmus Medical Center
Classification: Benign. Review status: no assertion criteria provided. Collection method: clinical testing. Allele origin: germline. Affected: yes. Study: VKGL Data-share Consensus. Not counted in ClinVar's aggregate classification.

Clinical Genetics, Academic Medical Center
Classification: Benign. Review status: no assertion criteria provided. Collection method: clinical testing. Allele origin: germline. Affected: yes. Study: VKGL Data-share Consensus. Not counted in ClinVar's aggregate classification.